The following is an entry in ClinVar:

NM_004360.5(CDH1):c.1051C>T (p.Gln351Ter)

Gene: CDH1 (cadherin 1; plus strand). Cytogenetic location: 16q22.1.
Variant type: single nucleotide variant.
Coding change: c.1051C>T on transcript NM_004360.5 (MANE Select); coding-DNA position 1051, C replaced by T.
Protein change: p.Gln351Ter; replaces glutamine 351 with a stop codon.
Molecular consequence: nonsense. On other transcripts: 5 prime UTR variant (2).
Genome position (GRCh38, 1-based): chr16:68,812,177, C>T. VCF-style: chr16-68812177-C-T. GRCh37 (hg19) VCF-style: chr16-68846080-C-T.
Other names: c.1051C>T (LRG_301t1); c.1051C>T, p.Gln351Ter (NM_001317184.2); c.-565C>T (NM_001317185.2); c.-769C>T (NM_001317186.2); short protein forms Q351*.
Identifiers: ClinVar variation 532473 (VCV000532473.12), dbSNP rs1555515726, ClinGen allele CA396460000.

ClinVar aggregate classification (germline): Pathogenic. Review status: reviewed by expert panel (3 of 4 stars). 3 submissions from 3 submitters: Pathogenic (1). 2 of the submissions do not count toward it. Last evaluated 2023-08-25.

Conditions:
CDH1-related diffuse gastric and lobular breast cancer syndrome. Also called: CDH1-related diffuse gastric and lobular breast cancer. Identifiers: MedGen CN311521, MONDO:0100488.
Hereditary diffuse gastric adenocarcinoma (HDGC). Also called: DIFFUSE GASTRIC AND LOBULAR BREAST CANCER SYNDROME. Identifiers: Orphanet 26106, MedGen C1708349, MONDO:0007648, OMIM 137215.

Submissions (3):

Clingen Gastric Cancer Variant Curation Expert Panel
Classification: Pathogenic for CDH1-related diffuse gastric and lobular breast cancer syndrome. Last evaluated: 2023-08-25. Review status: reviewed by expert panel. Criteria: ClinGen CDH1 ACMG Specifications V3.1. Collection method: curation. Allele origin: germline. Inheritance: Autosomal dominant inheritance.
Comment: The c.1051C>T p.(Gln351Ter) variant is predicted to result in a premature stop codon that leads to a truncated or absent protein (PVS1, PM5_Supporting). The variant is absent in the gnomAD cohort (PM2_Supporting). This variant has been reported in at least one family meeting HDGC clinical criteria (PS4_Supporting; SCV000760845.2). Therefore, this variant meets criteria to be classified as pathogenic based on the ACMG/AMP criteria applied as specified by the CDH1 Variant Curation Expert Panel (Variant Interpretation Guidelines Version 3.1): PVS1, PM2_Supporting, PS4_Supporting, PM5_Supporting.

Labcorp Genetics (formerly Invitae), Labcorp
Classification: Pathogenic for Hereditary diffuse gastric adenocarcinoma. Last evaluated: 2025-11-20. Review status: criteria provided, single submitter. Criteria: Invitae Variant Classification Sherloc (09022015). Collection method: clinical testing. Allele origin: germline. Not counted in ClinVar's aggregate classification.
Comment: This sequence change creates a premature translational stop signal (p.Gln351*) in the CDH1 gene. It is expected to result in an absent or disrupted protein product. Loss-of-function variants in CDH1 are known to be pathogenic (PMID: 15235021, 20373070). This variant is not present in population databases (gnomAD no frequency). This variant has not been reported in the literature in individuals affected with CDH1-related conditions. ClinVar contains an entry for this variant (Variation ID: 532473). For these reasons, this variant has been classified as Pathogenic.

Myriad Genetics, Inc.
Classification: Pathogenic for Hereditary diffuse gastric adenocarcinoma. Last evaluated: 2023-06-12. Review status: criteria provided, single submitter. Criteria: Myriad Autosomal Dominant, Autosomal Recessive and X-Linked Classification Criteria (2023). Collection method: clinical testing. Allele origin: unknown. Not counted in ClinVar's aggregate classification.
Comment: This variant is considered pathogenic. This variant creates a termination codon and is predicted to result in premature protein truncation.

Literature cited by the submitters: PubMed 15235021 (cited by Labcorp Genetics (formerly Invitae), Labcorp); PubMed 20373070 (cited by Labcorp Genetics (formerly Invitae), Labcorp).